The following is an entry in ClinVar:

ClinVar aggregate classification (germline): Likely pathogenic (1 of 4 stars; one submission).

Submission:

Labcorp Genetics (formerly Invitae), Labcorp
Classification: Likely pathogenic. Last evaluated: 2022-08-31. Review status: criteria provided, single submitter. Criteria: Invitae Variant Classification Sherloc (09022015). Collection method: clinical testing. Allele origin: germline.
Comment: This sequence change affects a donor splice site in intron 8 of the NFKB1 gene. It is expected to disrupt RNA splicing. Variants that disrupt the donor or acceptor splice site typically lead to a loss of protein function (PMID: 16199547), and loss-of-function variants in NFKB1 are known to be pathogenic (PMID: 26279205, 29477724). This variant is not present in population databases (gnomAD no frequency). This variant has not been reported in the literature in individuals affected with NFKB1-related conditions. Algorithms developed to predict the effect of sequence changes on RNA splicing suggest that this variant may disrupt the consensus splice site. In summary, the currently available evidence indicates that the variant is pathogenic, but additional data are needed to prove that conclusively. Therefore, this variant has been classified as Likely Pathogenic.

Literature cited by the submitters: PubMed 16199547; PubMed 26279205; PubMed 29477724.

NM_003998.4(NFKB1):c.730+1G>A

Gene: NFKB1 (nuclear factor kappa B subunit 1; plus strand). Cytogenetic location: 4q24.
Variant type: single nucleotide variant.
Coding change: c.730+1G>A on transcript NM_003998.4 (MANE Select); the canonical splice donor site of the intron after coding-DNA position 730, G replaced by A.
Molecular consequence: splice donor variant.
Genome position (GRCh38, 1-based): chr4:102,579,040, G>A. VCF-style: chr4-102579040-G-A. GRCh37 (hg19) VCF-style: chr4-103500197-G-A.
Other names: c.730+1G>A (NM_001382626.1, NM_001382625.1); c.727+1G>A (NM_001382627.1, NM_001165412.2, NM_001319226.2); c.688+1G>A (NM_001382628.1).
Identifiers: ClinVar variation 2006437 (VCV002006437.4), dbSNP rs2476416063, ClinGen allele CA357959814.